The following is an entry in ClinVar:

NM_003119.4(SPG7):c.1324+4208G>A

Gene: SPG7 (SPG7 matrix AAA peptidase subunit, paraplegin; plus strand). Cytogenetic location: 16q24.3.
Variant type: single nucleotide variant.
Coding change: c.1324+4208G>A on transcript NM_003119.4 (MANE Select); 4208 bases into the intron after coding-DNA position 1324, G replaced by A.
Molecular consequence: intron variant. On other transcripts: synonymous variant (1).
Genome position (GRCh38, 1-based): chr16:89,536,844, G>A. VCF-style: chr16-89536844-G-A. GRCh37 (hg19) VCF-style: chr16-89603252-G-A.
Other names: c.1404G>A, p.Thr468= (NM_199367.3); c.1324+4208G>A (NM_001363850.1).
Identifiers: ClinVar variation 3040651 (VCV003040651.2), dbSNP rs541636981, ClinGen allele CA8244103.
Genomic context (GRCh38, chr16:89,536,844, plus strand): 5'-ACCCTCCCAGGGGACCATGAGGAAGCTCAGAGGAAAGACCCCCGCCTGCTCCTGTCTCAC[G>A]GAGCCCACAGGGTCACGGAGGGCAATGGAGGGTCATTCGCTCTGCTGGGGTTGCCTTTTG-3'

ClinVar aggregate classification (germline): Likely benign (0 of 4 stars; one submission).

Conditions:
SPG7-related disorder. Also called: SPG7-related condition.

Allele frequency attached by ClinVar (database versions not stated): ExAC 0.00001; TOPMed 0.00002; gnomAD exomes 0.00003; gnomAD 0.00005; 1000 Genomes Project 0.00020; 1000 Genomes Project 30x 0.00031.
gnomAD v4.1: 55 of 1,614,102 alleles (0.0034%); highest among the groups gnomAD compares: Admixed American, 0.0067%; no homozygotes.

Submission:

PreventionGenetics, part of Exact Sciences
Classification: Likely benign for SPG7-related condition. Last evaluated: 2023-10-27. Review status: no assertion criteria provided. Collection method: clinical testing. Allele origin: germline.
Comment: This variant is classified as likely benign based on ACMG/AMP sequence variant interpretation guidelines (Richards et al. 2015 PMID: 25741868, with internal and published modifications).